The following is an entry in ClinVar:

NM_001370259.2(MEN1):c.936C>G (p.Tyr312Ter)

Gene: MEN1 (menin 1; minus strand). Cytogenetic location: 11q13.1.
Variant type: single nucleotide variant.
Coding change: c.936C>G on transcript NM_001370259.2 (MANE Select); coding-DNA position 936, C replaced by G.
Protein change: p.Tyr312Ter; replaces tyrosine 312 with a stop codon.
Molecular consequence: nonsense.
Genome position (GRCh38, 1-based): chr11:64,806,345, G>C on the plus strand (C>G on the coding strand, the complement: MEN1 is on the minus strand). VCF-style: chr11-64806345-G-C. GRCh37 (hg19) VCF-style: chr11-64573817-G-C.
Other names: NP_570711.1:p.Tyr312*; c.951C>G, p.Tyr317Ter (NM_000244.4, NM_130800.3, NM_130801.3 and 3 more transcripts); c.936C>G, p.Tyr312Ter (NM_001370251.2, NM_001370260.2, NM_001370261.2 and 1 more transcripts); c.831C>G, p.Tyr277Ter (NM_001370262.2, NM_001370263.2); short protein forms Y312*, Y317*, Y277*.
Identifiers: ClinVar variation 36537 (VCV000036537.15), dbSNP rs386134260, ClinGen allele CA009655.

ClinVar aggregate classification (germline): Pathogenic. Review status: criteria provided, multiple submitters, no conflicts (2 of 4 stars). 4 submissions from 4 submitters: Pathogenic (3). 1 of the submissions does not count toward it. Last evaluated 2023-01-31.

Conditions:
Hereditary cancer-predisposing syndrome. Also called: Neoplastic Syndromes, Hereditary; Hereditary neoplastic syndrome; Tumor predisposition; Hereditary Cancer Syndrome. Identifiers: Orphanet 140162, MedGen C0027672, MeSH D009386, MONDO:0015356.
Multiple endocrine neoplasia, type 1 (MEN1). Also called: Endocrine adenomatosis multiple; MEN 1; MEA I; MEN I; WERMER SYNDROME. Identifiers: Orphanet 652, MedGen C0025267, MeSH D018761, MONDO:0007540, OMIM 131100.

Submissions (4):

Ambry Genetics
Classification: Pathogenic for Hereditary cancer-predisposing syndrome. Last evaluated: 2023-01-31. Review status: criteria provided, single submitter. Criteria: Ambry Variant Classification Scheme 2023. Collection method: clinical testing. Allele origin: germline.
Comment: The p.Y312* pathogenic mutation (also known as c.936C>G), located in coding exon 6 of the MEN1 gene, results from a C to G substitution at nucleotide position 936. This changes the amino acid from a tyrosine to a stop codon within coding exon 6. This alteration has been reported in several individuals with clinical history consistent with a diagnosis of MEN1, including one large pedigree with multiple affected family members (Sato M et al. J. Med. Genet., 1998 Nov;35:915-9; Hershon KS et al. Am. J. Med., 1983 Apr;74:713-20; Agarwal SK et al. Hum. Mol. Genet., 1997 Jul;6:1169-75). This variant is considered to be rare based on population cohorts in the Genome Aggregation Database (gnomAD). In addition to the clinical data presented in the literature, this alteration is expected to result in loss of function by premature protein truncation or nonsense-mediated mRNA decay. As such, this alteration is interpreted as a disease-causing mutation.

Labcorp Genetics (formerly Invitae), Labcorp
Classification: Pathogenic for Multiple endocrine neoplasia, type 1. Last evaluated: 2022-09-08. Review status: criteria provided, single submitter. Criteria: Invitae Variant Classification Sherloc (09022015). Collection method: clinical testing. Allele origin: germline.
Comment: This variant is not present in population databases (gnomAD no frequency). For these reasons, this variant has been classified as Pathogenic. ClinVar contains an entry for this variant (Variation ID: 36537). This premature translational stop signal has been observed in individual(s) with clinical features consistent with multiple endocrine neoplasia type 1 (PMID: 9832038). This sequence change creates a premature translational stop signal (p.Tyr312*) in the MEN1 gene. It is expected to result in an absent or disrupted protein product. Loss-of-function variants in MEN1 are known to be pathogenic (PMID: 12112656, 17853334).

Eurofins Ntd Llc (ga)
Classification: Pathogenic. Last evaluated: 2013-11-06. Review status: criteria provided, single submitter. Criteria: EGL Classification Definitions 2015. Collection method: clinical testing. Allele origin: germline.

Women's Health and Genetics/Laboratory Corporation of America, LabCorp
No classification provided. Condition: Multiple endocrine neoplasia, type 1. Last evaluated: 2015-10-02. Review status: no classification provided. Collection method: clinical testing. Allele origin: germline. Not counted in ClinVar's aggregate classification.

Literature cited by the submitters: PubMed 6837595 (cited by Ambry Genetics); PubMed 9215689 (cited by Ambry Genetics); PubMed 9832038 (cited by 3 submitters); PubMed 12112656 (cited by Labcorp Genetics (formerly Invitae), Labcorp); PubMed 17853334 (cited by Labcorp Genetics (formerly Invitae), Labcorp); PubMed 15292304 (cited by Eurofins Ntd Llc (ga)).